The following is an entry in ClinVar:

NM_170606.3(KMT2C):c.9595GAA[1] (p.Glu3200del)

Gene: KMT2C (lysine methyltransferase 2C; minus strand). Cytogenetic location: 7q36.1.
Variant type: Microsatellite.
Coding change: c.9595GAA[1] on transcript NM_170606.3 (MANE Select); one copy of the 3-base unit GAA starting at c.9595; the reference has two copies in a row; one copy, 3 bases deleted.
Protein change: p.Glu3200del; deletes glutamic acid 3200.
Genome position (GRCh38, 1-based): chr7:152,167,296-152,167,298, TTC deleted on the plus strand (GAA on the coding strand, the reverse complement: KMT2C is on the minus strand); deleting any 3 consecutive bases within chr7:152,167,296-152,167,301 gives the same sequence; the position shown is the placement nearest the transcript's 3' end. VCF-style (leftmost placement, unchanged base first): chr7-152167295-GTTC-G. GRCh37 (hg19) VCF-style: chr7-151864380-GTTC-G.
Other names: short protein forms E3200del.
Identifiers: ClinVar variation 4528014 (VCV004528014.1).

ClinVar aggregate classification (germline): Uncertain significance (1 of 4 stars; one submission).

Submission:

GeneDx
Classification: Uncertain significance. Last evaluated: 2025-05-09. Review status: criteria provided, single submitter. Criteria: GeneDx Variant Classification Process June 2021. Collection method: clinical testing. Allele origin: germline. Affected: yes.
Comment: Not observed at significant frequency in large population cohorts (gnomAD); In-frame deletion of 1 amino acid(s) in a non-repeat region; In silico analysis supports a deleterious effect on protein structure/function; Has not been previously published as pathogenic or benign to our knowledge